The following is an entry in ClinVar:

ClinVar aggregate classification (germline): Benign/Likely benign. Review status: criteria provided, multiple submitters, no conflicts (2 of 4 stars). 6 submissions from 6 submitters: Benign (1); Likely benign (5). Last evaluated 2026-01-27.

Conditions:
Hereditary cancer-predisposing syndrome. Also called: Neoplastic Syndromes, Hereditary; Hereditary Cancer Syndrome; Hereditary neoplastic syndrome; Tumor predisposition. Identifiers: Orphanet 140162, MedGen C0027672, MeSH D009386, MONDO:0015356.
Gastrointestinal stromal tumor. Also called: Gastrointestinal stromal tumor, somatic; Gastrointestinal stroma tumor. Identifiers: Orphanet 44890, MedGen C0238198, MeSH D046152, MONDO:0011719, OMIM 606764, HP:0100723.
Pheochromocytoma/paraganglioma syndrome 3. Also called: SDHC-Related Hereditary Paraganglioma-Pheochromocytoma Syndrome (Paragangliomas 3); SDHC-Related Hereditary Paraganglioma-Pheochromocytoma Syndrome; GLOMUS TUMORS, FAMILIAL, 3; Paragangliomas 3. Identifiers: Orphanet 29072, MedGen C1854336, MONDO:0011544, OMIM 605373.

Allele frequency attached by ClinVar (database versions not stated): gnomAD 0.00001; gnomAD exomes 0.00001 and 0.00004; ExAC 0.00002; TOPMed 0.00002.
gnomAD v4.1: 18 of 1,613,164 alleles (0.0011%); highest among the groups gnomAD compares: Admixed American, 0.018%; no homozygotes.

Submissions (6):

Labcorp Genetics (formerly Invitae), Labcorp
Classification: Likely benign for Pheochromocytoma/paraganglioma syndrome 3; Gastrointestinal stromal tumor. Last evaluated: 2026-01-27. Review status: criteria provided, single submitter. Criteria: Invitae Variant Classification Sherloc (09022015). Collection method: clinical testing. Allele origin: germline.

Myriad Genetics, Inc.
Classification: Benign for Pheochromocytoma/paraganglioma syndrome 3. Last evaluated: 2025-03-13. Review status: criteria provided, single submitter. Criteria: Myriad Autosomal Dominant, Autosomal Recessive and X-Linked Classification Criteria (2023). Collection method: clinical testing. Allele origin: unknown.
Comment: This variant is considered benign. This variant is a silent/synonymous amino acid change and it is not expected to impact splicing.

Women's Health and Genetics/Laboratory Corporation of America, LabCorp
Classification: Likely benign. Last evaluated: 2023-01-06. Review status: criteria provided, single submitter. Criteria: LabCorp Variant Classification Summary - May 2015. Collection method: clinical testing. Allele origin: germline.

Quest Diagnostics Nichols Institute San Juan Capistrano
Classification: Likely benign. Last evaluated: 2022-09-09. Review status: criteria provided, single submitter. Criteria: Quest Diagnostics criteria. Collection method: clinical testing. Allele origin: unknown.

ARUP Laboratories, Molecular Genetics and Genomics, ARUP Laboratories
Classification: Likely benign. Last evaluated: 2021-01-06. Review status: criteria provided, single submitter. Criteria: ARUP Molecular Germline Variant Investigation Process 2021. Collection method: clinical testing. Allele origin: germline.

Ambry Genetics
Classification: Likely benign for Hereditary cancer-predisposing syndrome. Last evaluated: 2018-09-29. Review status: criteria provided, single submitter. Criteria: Ambry Variant Classification Scheme 2023. Collection method: clinical testing. Allele origin: germline.

NM_003001.5(SDHC):c.9G>A (p.Ala3=)

Gene: SDHC (succinate dehydrogenase complex subunit C; plus strand). Cytogenetic location: 1q23.3.
Variant type: single nucleotide variant.
Coding change: c.9G>A on transcript NM_003001.5 (MANE Select); coding-DNA position 9, G replaced by A.
Protein change: p.Ala3=; no amino-acid change (alanine 3 retained).
Molecular consequence: synonymous variant. On other transcripts: 5 prime UTR variant (2), non-coding transcript variant (1).
Genome position (GRCh38, 1-based): chr1:161,314,414, G>A. VCF-style: chr1-161314414-G-A. GRCh37 (hg19) VCF-style: chr1-161284204-G-A.
Other names: c.9G>A, p.Ala3= (NM_001035511.3, NM_001035512.3, NM_001035513.3 and 6 more transcripts); c.-552G>A (NM_001407119.1); c.-221G>A (NM_001407120.1).
Identifiers: ClinVar variation 696707 (VCV000696707.60), dbSNP rs749265569, ClinGen allele CA048724.
Genomic context (GRCh38, chr1:161,314,414, plus strand): 5'-CCTCGGGTGGCGGGGCCGCCTGGCGTCACTTCCGTCCAGACCGGAACCCAAGATGGCTGC[G>A]CTGTTGCTGAGGTGACTTCAGTGGGACTGGGAGTTGGTGCCTGCGGCCCTCCGGAGATCT-3'
Protein context (NP_002992.1, residues 1-13): MA[Ala3=]LLLRHVGRHC